The following is an entry in ClinVar:

ClinVar aggregate classification (germline): Conflicting classifications of pathogenicity. Review status: criteria provided, conflicting classifications (1 of 4 stars). 2 submissions from 2 submitters: Uncertain significance (1); Likely benign (1). Last evaluated 2023-11-18.

Allele frequency attached by ClinVar (database versions not stated): gnomAD exomes below 0.00001; ExAC 0.00001; gnomAD 0.00001; TOPMed 0.00009.
gnomAD v4.1: 7 of 1,614,086 alleles (0.00043%); highest among the groups gnomAD compares: Admixed American, 0.0083%; no homozygotes.

Submissions (2):

Ambry Genetics
Classification: Likely benign. Last evaluated: 2023-11-18. Review status: criteria provided, single submitter. Criteria: Ambry Variant Classification Scheme 2023. Collection method: clinical testing. Allele origin: germline.

Labcorp Genetics (formerly Invitae), Labcorp
Classification: Uncertain significance. Last evaluated: 2021-10-09. Review status: criteria provided, single submitter. Criteria: Invitae Variant Classification Sherloc (09022015). Collection method: clinical testing. Allele origin: germline.
Comment: This sequence change replaces lysine with arginine at codon 404 of the SCP2 protein (p.Lys404Arg). The lysine residue is moderately conserved and there is a small physicochemical difference between lysine and arginine. This variant is present in population databases (rs764929170, ExAC 0.009%). This variant has not been reported in the literature in individuals affected with SCP2-related conditions. Algorithms developed to predict the effect of missense changes on protein structure and function output the following: SIFT: "Tolerated"; PolyPhen-2: "Benign"; Align-GVGD: "Class C0". The arginine amino acid residue is found in multiple mammalian species, which suggests that this missense change does not adversely affect protein function. Algorithms developed to predict the effect of sequence changes on RNA splicing suggest that this variant may create or strengthen a splice site. In summary, the available evidence is currently insufficient to determine the role of this variant in disease. Therefore, it has been classified as a Variant of Uncertain Significance.

NM_002979.5(SCP2):c.1211A>G (p.Lys404Arg)

Gene: SCP2 (sterol carrier protein 2; plus strand). Cytogenetic location: 1p32.3.
Variant type: single nucleotide variant.
Coding change: c.1211A>G on transcript NM_002979.5 (MANE Select); coding-DNA position 1211, A replaced by G.
Protein change: p.Lys404Arg; replaces lysine 404 with arginine.
Molecular consequence: missense variant. On other transcripts: 5 prime UTR variant (3).
Genome position (GRCh38, 1-based): chr1:53,015,019, A>G. VCF-style: chr1-53015019-A-G. GRCh37 (hg19) VCF-style: chr1-53480691-A-G.
Other names: c.-2A>G (NM_001007099.3, NM_001007100.3, NM_001007250.3); c.1139A>G, p.Lys380Arg (NM_001193599.2); c.1079A>G, p.Lys360Arg (NM_001193600.2); c.968A>G, p.Lys323Arg (NM_001193617.2); c.1211A>G (NM_002979.4); short protein forms K360R, K323R, K380R, K404R.
Identifiers: ClinVar variation 1359003 (VCV001359003.4), dbSNP rs764929170, ClinGen allele CA857352.